The following is an entry in ClinVar:

NM_001242896.3(DEPDC5):c.3985T>C (p.Ser1329Pro)

Gene: DEPDC5 (DEP domain containing 5, GATOR1 subcomplex subunit; plus strand). Cytogenetic location: 22q12.3.
Variant type: single nucleotide variant.
Coding change: c.3985T>C on transcript NM_001242896.3 (MANE Select); coding-DNA position 3985, T replaced by C.
Protein change: p.Ser1329Pro; replaces serine 1329 with proline.
Molecular consequence: missense variant. On other transcripts: non-coding transcript variant (5).
Genome position (GRCh38, 1-based): chr22:31,879,704, T>C. VCF-style: chr22-31879704-T-C. GRCh37 (hg19) VCF-style: chr22-32275690-T-C.
Other names: c.3958T>C, p.Ser1320Pro (NM_001136029.4); c.3685T>C, p.Ser1229Pro (NM_001242897.2); c.3919T>C, p.Ser1307Pro (NM_001363852.2, NM_001364320.2); c.3751T>C, p.Ser1251Pro (NM_001363854.2, NM_001364319.2); c.3985T>C, p.Ser1329Pro (NM_001364318.2); c.3901T>C, p.Ser1301Pro (NM_001369901.1, NM_001369902.1); c.3892T>C, p.Ser1298Pro (NM_001369903.1, NM_014662.6); short protein forms S1229P, S1251P, S1298P, S1301P, S1307P, S1320P, S1329P.
Identifiers: ClinVar variation 5038878 (VCV005038878.1).

ClinVar aggregate classification (germline): Uncertain significance (1 of 4 stars; one submission).

gnomAD v4.1: 1 of 1,613,968 alleles (0.000062%); highest among the groups gnomAD compares: Non-Finnish European, 0.000085%; no homozygotes.

Submission:

CeGaT Center for Human Genetics Tuebingen
Classification: Uncertain significance. Last evaluated: 2026-07-01. Review status: criteria provided, single submitter. Criteria: CeGaT Center For Human Genetics Tuebingen Variant Classification Criteria Version 2. Collection method: clinical testing. Allele origin: germline. Affected: yes. Observed: 1 variant allele.
Comment: DEPDC5: PM2